The following is an entry in ClinVar:

ClinVar aggregate classification (germline): Conflicting classifications of pathogenicity. Review status: criteria provided, conflicting classifications (1 of 4 stars). 2 submissions from 2 submitters: Uncertain significance (1); Likely benign (1). Last evaluated 2023-10-03.

Conditions:
Hereditary cancer-predisposing syndrome. Also called: Hereditary Cancer Syndrome; Hereditary neoplastic syndrome; Tumor predisposition; Neoplastic Syndromes, Hereditary. Identifiers: Orphanet 140162, MedGen C0027672, MeSH D009386, MONDO:0015356.
Tuberous sclerosis 1 (TSC1). Identifiers: Orphanet 805, MedGen C1854465, MONDO:0008612, OMIM 191100.

Allele frequency attached by ClinVar (database versions not stated): gnomAD exomes below 0.00001.
gnomAD v4.1: 1 of 1,614,144 alleles (0.000062%); highest among the groups gnomAD compares: Admixed American, 0.0017%; no homozygotes.

Submissions (2):

Labcorp Genetics (formerly Invitae), Labcorp
Classification: Likely benign for Tuberous sclerosis 1. Last evaluated: 2023-10-03. Review status: criteria provided, single submitter. Criteria: Invitae Variant Classification Sherloc (09022015). Collection method: clinical testing. Allele origin: germline.

Ambry Genetics
Classification: Uncertain significance for Hereditary cancer-predisposing syndrome. Last evaluated: 2023-08-03. Review status: criteria provided, single submitter. Criteria: Ambry Variant Classification Scheme 2023. Collection method: clinical testing. Allele origin: germline.
Comment: The p.G274S variant (also known as c.820G>A), located in coding exon 7 of the TSC1 gene, results from a G to A substitution at nucleotide position 820. The glycine at codon 274 is replaced by serine, an amino acid with similar properties. This amino acid position is highly conserved in available vertebrate species. In addition, this alteration is predicted to be deleterious by in silico analysis. Since supporting evidence is limited at this time, the clinical significance of this alteration remains unclear.

NM_000368.5(TSC1):c.820G>A (p.Gly274Ser)

Gene: TSC1 (TSC complex subunit 1; minus strand). Cytogenetic location: 9q34.13.
Variant type: single nucleotide variant.
Coding change: c.820G>A on transcript NM_000368.5 (MANE Select); coding-DNA position 820, G replaced by A.
Protein change: p.Gly274Ser; replaces glycine 274 with serine.
Molecular consequence: missense variant.
Genome position (GRCh38, 1-based): chr9:132,912,375, C>T on the plus strand (G>A on the coding strand, the complement: TSC1 is on the minus strand). VCF-style: chr9-132912375-C-T. GRCh37 (hg19) VCF-style: chr9-135787762-C-T.
Other names: c.820G>A (NM_000368.4); c.820G>A, p.Gly274Ser (NM_001162426.2); c.667G>A, p.Gly223Ser (NM_001162427.2); c.457G>A, p.Gly153Ser (NM_001362177.2); short protein forms G153S, G274S, G223S.
Identifiers: ClinVar variation 1354725 (VCV001354725.9), dbSNP rs1389310342, ClinGen allele CA375369390.